The following is an entry in ClinVar:

ClinVar aggregate classification (germline): Conflicting classifications of pathogenicity. Review status: criteria provided, conflicting classifications (1 of 4 stars). 8 submissions from 8 submitters: Likely pathogenic (2); Uncertain significance (3); Benign (1). 2 of the submissions do not count toward it. Last evaluated 2026-08-24.

Conditions:
Anemia, nonspherocytic hemolytic, due to G6PD deficiency (CNSHA1). Also called: Hemolytic anemia due to G6PD deficiency; Class I glucose-6-phosphate dehydrogenase deficiency; Favism, susceptibility to; ANEMIA, CONGENITAL, NONSPHEROCYTIC HEMOLYTIC, 1. Identifiers: Orphanet 466026, MedGen C2720289, MONDO:0010480, OMIM 300908.

Allele frequency attached by ClinVar (database versions not stated): TOPMed 0.00012; 1000 Genomes Project 30x 0.00146; gnomAD 0.00012 and 0.00002; gnomAD exomes 0.00097 and 0.00035; ExAC 0.00104; 1000 Genomes Project 0.00159.

Submissions (8):

GeneDx
Classification: Likely pathogenic. Last evaluated: 2026-08-24. Review status: criteria provided, single submitter. Criteria: GeneDx Variant Classification Process June 2021. Collection method: clinical testing. Allele origin: germline.
Comment: Observed in hemizygous state in multiple unrelated patients with G6PD deficiency in published literature (PMID: 20713184, 20236109); Referred to as G6PD Gond, and considered a class III G6PD variant associated with decreased activity and moderate to mild deficiency (PMID: 20236109, 36681081, 34551338, 20713184, 38308253); In silico analysis supports that this missense variant has a deleterious effect on protein structure/function; This variant is associated with the following publications: (PMID: 27282571, 38308253, 36681081, 34272389, 34620237, 34551338, 25323826, 23969137, 22293322, 20713184, 20236109, 27040960, 41717344)

Labcorp Genetics (formerly Invitae), Labcorp
Classification: Benign for Anemia, nonspherocytic hemolytic, due to G6PD deficiency. Last evaluated: 2025-12-19. Review status: criteria provided, single submitter. Criteria: Invitae Variant Classification Sherloc (09022015). Collection method: clinical testing. Allele origin: germline.

Mayo Clinic Laboratories, Mayo Clinic
Classification: Uncertain significance. Last evaluated: 2025-04-11. Review status: criteria provided, single submitter. Criteria: ACMG Guidelines, 2015. Collection method: clinical testing. Allele origin: germline. Observed: 4 variant alleles.
Comment: PP3, PS3_supporting

Victorian Clinical Genetics Services, Murdoch Childrens Research Institute
Classification: Uncertain significance for Anemia, nonspherocytic hemolytic, due to G6PD deficiency. Last evaluated: 2024-10-09. Review status: criteria provided, single submitter. Criteria: ACMG Guidelines, 2015. Collection method: clinical testing. Allele origin: germline. Inheritance: X-linked recessive inheritance.
Comment: Based on the classification scheme VCGS_Germline_v1.3.4, this variant is classified as VUS-3A. Following criteria are met: 0102 - Loss of function is a known mechanism of disease in this gene and is associated with G6PD deficient hemolytic anemia (favism) (MIM#300908). (I) 0109 - This gene is associated with X-linked recessive disease. Hemizygous males and homozygous females are commonly affected; however, some heterozygous female carriers can also be affected depending on X-inactivation. (I) 0200 - Variant is predicted to result in a missense amino acid change from methionine to isoleucine. (I) 0253 - This variant is hemizygous. (I) 0304 - Variant is present in gnomAD (v2) <0.01 for a recessive condition (86 heterozygotes, 2 homozygotes, 88 hemizygotes). (SP) 0309 - Multiple alternative amino acid changes at the same position have been observed in gnomAD v2) (highest allele count: 1 heterozygote, 1 hemizygote, 0 homozygotes). (I) 0502 - Missense variant with conflicting in silico predictions and uninformative conservation. (I) 0600 - Variant is located in the annotated ad-ßE loop within the Glucose-6-phosphate dehydrogenase NAD binding domain (PMID: 38308253; DECIPHER). (I) 0705 - No comparable missense variants have previous evidence for pathogenicity. (I) 0808 - Previous reports of pathogenicity for this variant are conflicting. While this variant has been considered a mutation with moderate impact, the clinical features are considered unknown or not reported (PMIDs: 22293322, 27040960, 34551338). (I) 0905 - No published segregation evidence has been identified for this variant. (I) 1002 - This variant has moderate functional evidence supporting abnormal protein function. Biochemical and structural characterisation using site-directed mutagenesis demonstrated a minor effect on catalytic activity due to protein structural instability and a small reduction in binding affinity to substrates (PMID: 38308253). (SP) 1208 - Inheritance information for this variant is not currently available in this individual. (I) Legend: (SP) - Supporting pathogenic, (I) - Information, (SB) - Supporting benign

ARUP Laboratories, Molecular Genetics and Genomics, ARUP Laboratories
Classification: Uncertain significance. Last evaluated: 2024-01-02. Review status: criteria provided, single submitter. Criteria: ARUP Molecular Germline Variant Investigation Process 2024. Collection method: clinical testing. Allele origin: germline.
Comment: The G6PD c.477G>C; p.Met159Ile variant (rs370918918), also known as G6PD Gond, is reported in the literature in at least one individual affected with G6PD deficiency (Baz 2021, Faiyaz-Ul-Haque 2010, Sarkar 2010). This variant is also reported in ClinVar (Variation ID: 706112). This variant is found predominantly in the South Asian population with an allele frequency of 0.9% (166/19079 alleles, including two homozygotes and 86 hemizygotes) in the Genome Aggregation Database (v2.1.1). Computational analyses predict that this variant is deleterious (REVEL: 0.777). Given the lack of clinical and functional data, the significance of this variant is uncertain at this time. References: Baz B et al. Molecular classification of blood and bleeding disorder genes. NPJ Genom Med. 2021 Jul 16;6(1):62. PMID: 34272389. Faiyaz-Ul-Haque M et al. Genetics of glucose-6-phosphate dehydrogenase deficiency in Saudi patients. Clin Genet. 2010 Jul;78(1):98-100. PMID: 20236109. Sarkar S et al. A large, systematic molecular-genetic study of G6PD in Indian populations identifies a new non-synonymous variant and supports recent positive selection. Infect Genet Evol. 2010 Dec;10(8):1228-36. PMID: 20713184.

Dunham Lab, University of Washington
Classification: Likely pathogenic for Anemia, nonspherocytic hemolytic, due to G6PD deficiency. Last evaluated: 2022-08-12. Review status: criteria provided, single submitter. Criteria: Bayesian ACMG Guidelines, 2018. Collection method: curation. Allele origin: unknown. Affected: yes.
Comment: Variant found in unrelated hemizygotes with deficiency (PS4_M, PP4). Decreased activity in red blood cells (53%) (PS3). SIFT and structural bioinformatics predictions suggest deleterious effect on protein function (PP3). Below expected carrier frequency in gnomAD (PM2). Reported as benign by Invitae (BP6). Post_P 0.988 (odds of pathogenicity 729.3, Prior_P 0.1).

Clinical Genetics DNA and cytogenetics Diagnostics Lab, Erasmus MC, Erasmus Medical Center
Classification: Likely benign. Review status: no assertion criteria provided. Collection method: clinical testing. Allele origin: germline. Affected: yes. Study: VKGL Data-share Consensus. Not counted in ClinVar's aggregate classification.

Laboratory of Diagnostic Genome Analysis, Leiden University Medical Center (LUMC)
Classification: Likely benign. Review status: no assertion criteria provided. Collection method: clinical testing. Allele origin: germline. Affected: yes. Study: VKGL Data-share Consensus. Not counted in ClinVar's aggregate classification.

Literature cited by the submitters: PubMed 20236109 (cited by 3 submitters); PubMed 20713184 (cited by Mayo Clinic Laboratories, Mayo Clinic and Dunham Lab, University of Washington); PubMed 27282571 (cited by Mayo Clinic Laboratories, Mayo Clinic and Victorian Clinical Genetics Services, Murdoch Childrens Research Institute); PubMed 38308253 (cited by Mayo Clinic Laboratories, Mayo Clinic and Victorian Clinical Genetics Services, Murdoch Childrens Research Institute); PubMed 22293322 (cited by Victorian Clinical Genetics Services, Murdoch Childrens Research Institute); PubMed 27040960 (cited by Victorian Clinical Genetics Services, Murdoch Childrens Research Institute); PubMed 34551338 (cited by Victorian Clinical Genetics Services, Murdoch Childrens Research Institute).

NM_001360016.2(G6PD):c.477G>C (p.Met159Ile)

Gene: G6PD (glucose-6-phosphate dehydrogenase; minus strand). Cytogenetic location: Xq28.
Variant type: single nucleotide variant.
Coding change: c.477G>C on transcript NM_001360016.2 (MANE Select); coding-DNA position 477, G replaced by C.
Protein change: p.Met159Ile; replaces methionine 159 with isoleucine.
Molecular consequence: missense variant.
Genome position (GRCh38, 1-based): chrX:154,535,176, C>G on the plus strand (G>C on the coding strand, the complement: G6PD is on the minus strand). VCF-style: chrX-154535176-C-G. GRCh37 (hg19) VCF-style: chrX-153763391-C-G.
Other names: G6PD Gond; p.Met159Ile; c.567G>C, p.Met189Ile (NM_000402.4); c.477G>C, p.Met159Ile (NM_001042351.3); c.477G>C (NM_001360016.1); short protein forms M189I, M159I.
Identifiers: ClinVar variation 706112 (VCV000706112.31), dbSNP rs370918918, ClinGen allele CA10566241.